The following is an entry in ClinVar:

NM_020166.5(MCCC1):c.1978-287T>A

Gene: MCCC1 (methylcrotonyl-CoA carboxylase subunit 1; minus strand). Cytogenetic location: 3q27.1.
Variant type: single nucleotide variant.
Coding change: c.1978-287T>A on transcript NM_020166.5 (MANE Select); 287 bases into the intron before coding-DNA position 1978, T replaced by A.
Molecular consequence: intron variant.
Genome position (GRCh38, 1-based): chr3:183,017,624, A>T on the plus strand (T>A on the coding strand, the complement: MCCC1 is on the minus strand). VCF-style: chr3-183017624-A-T. GRCh37 (hg19) VCF-style: chr3-182735412-A-T.
Other names: c.1651-287T>A (NM_001363880.1); c.1627-287T>A (NM_001293273.2).
Identifiers: ClinVar variation 684208 (VCV000684208.2), dbSNP rs10937105, ClinGen allele CA15246962.
Genomic context (GRCh38, chr3:183,017,624, plus strand): 5'-TGTGGTTGTGCCATCTGCCAAATGCACTGGTCAAATCAGAGGCCTACAGCCCAAATATAC[A>T]GGTCAAATCTGAGACCTACAGCCCAAATGCACTGGTCAAATCAGAGGCCTACAGGTCAAA-3'

ClinVar aggregate classification (germline): Benign. Review status: criteria provided, multiple submitters, no conflicts (2 of 4 stars). 2 submissions from 2 submitters: Benign (2). Last evaluated 2018-06-14.

Allele frequency attached by ClinVar (database versions not stated): gnomAD 0.89193 and 0.89644; TOPMed 0.89730; 1000 Genomes Project 0.91773; gnomAD exomes 0.93321.
gnomAD v4.1: 389,449 of 423,360 alleles (92%); highest among the groups gnomAD compares: East Asian, 100%; 179,616 homozygotes.

Submissions (2):

GeneDx
Classification: Benign. Last evaluated: 2018-06-14. Review status: criteria provided, single submitter. Criteria: GeneDx Variant Classification (06012015). Collection method: clinical testing. Allele origin: germline. Affected: yes.
Comment: This variant is considered likely benign or benign based on one or more of the following criteria: it is a conservative change, it occurs at a poorly conserved position in the protein, it is predicted to be benign by multiple in silico algorithms, and/or has population frequency not consistent with disease.

Breakthrough Genomics
Classification: Benign. Review status: criteria provided, single submitter. Criteria: ACMG Guidelines, 2015. Collection method: not provided. Allele origin: germline. Inheritance: Autosomal recessive inheritance. Affected: yes.